The following continues an entry in ClinVar:

NM_000152.5(GAA):c.1933G>A (p.Asp645Asn)

Gene: GAA. ClinVar aggregate classification (germline): Pathogenic. Pathogenic (1).

Submissions 10 to 14 of 14:

Broad Center for Mendelian Genomics, Broad Institute of MIT and Harvard
Classification: Pathogenic for Glycogen storage disease, type II. Last evaluated: 2020-01-22. Review status: criteria provided, single submitter. Criteria: ACMG Guidelines, 2015. Collection method: curation. Allele origin: germline. Inheritance: Autosomal recessive inheritance. Not counted in ClinVar's aggregate classification.
Comment: The p.Asp645Asn variant in GAA has been reported in at least 29 individuals with Glycogen Storage Disease II (PMID: 9535769, 10338092, 15145338, 16860134, 18429042, 17723315, 20830524, 26497565, 23601496, 25139343, 30155607, 19862843, 27927596, 25455803, 30105547, 29122469). This variant has been identified in 0.007% (1/15154) of African chromosomes and 0.001% (1/109242) of European (non-Finnish) chromosomes by the Genome Aggregation Database (gnomAD; dbSNP rs368438393). Although this variant has been seen in the general population, its frequency is low enough to be consistent with a recessive carrier frequency. The presence of this variant in homozygotes and in combination with reported pathogenic variants and in individuals with Glycogen Storage Disease II increases the likelihood that the p.Asp645Asn variant is pathogenic (PMID: 20830524, 17723315, 16860134, 15145338, 26497565, 25139343, 9535769, 23601496). This variant has also been reported likely pathogenic by Counsyl and pathogenic by GeneDx, Illumina, Invitae, and Integrated Genetics in ClinVar (Variation ID: 188728). In vitro functional studies with COS cells transfected with this variant provide some evidence that the p.Asp645Asn variant may impact protein function based on GAA activity assays and a Western Blot (PMID: 15145338, 9535769). However, these types of assays may not accurately represent biological function. Computational prediction tools and conservation analyses suggest that this variant may impact the protein, though this information is not predictive enough to determine pathogenicity. The phenotype of individuals with Glycogen Storage Disease II and homozygous or heterozygous for this variant based on very low GAA activity, consistent with disease (PMID: 20830524, 17723315, 16860134, 15145338, 26497565, 25139343, 9535769, 23601496). Three additional variants at the the same position (p.Asp645Glu, p.Asp645Tyr, and p.Asp645His) have been reported in association with disease in ClinVar, supporting that a change at this position may not be tolerated (Variation ID: 4029, 189013, 556386). In summary, this variant meets criteria to be classified as pathogenic for Glycogen Storage Disease II in an autosomal recessive manner based on multiple occurrences with reported pathogenic or likely pathogenic variants in individuals with Glycogen Storage Disease II, in vitro functional studies, and multiple missense variants associated with disease at the same position. ACMG/AMP Criteria applied: PM3_Strong, PM5_Strong, PS3, PM2, PP3, PP4 (Richards 2015).

Women's Health and Genetics/Laboratory Corporation of America, LabCorp
Classification: Pathogenic for Glycogen storage disease, type II. Last evaluated: 2018-12-10. Review status: criteria provided, single submitter. Criteria: LabCorp Variant Classification Summary - May 2015. Collection method: clinical testing. Allele origin: germline. Not counted in ClinVar's aggregate classification.
Comment: Variant summary: GAA c.1933G>A (p.Asp645Asn) results in a conservative amino acid change in the encoded protein sequence. Four of five in-silico tools predict a damaging effect of the variant on protein function. The variant allele was found at a frequency of 2.3e-05 in 86510 control chromosomes (ExAC). c.1933G>A has been reported in the literature in compound heterozygous or homozygous state in multiple individuals affected with Glycogen Storage Disease, Type 2 (Pompe Disease) (e.g. Huie 1998, Prater 2012, McCready 2007). These data indicate that the variant is very likely to be associated with disease. Several publications also reported experimental evidence evaluating an impact on protein function. The most pronounced variant effect results in <10% of normal activity (e.g. Huie 1998, Prater 2012, McCready 2007). Two clinical diagnostic laboratories have submitted clinical-significance assessments for this variant to ClinVar after 2014 without evidence for independent evaluation, and both laboratories classified the variant as pathogenic. Based on the evidence outlined above, the variant was classified as pathogenic.

Illumina Laboratory Services, Illumina
Classification: Pathogenic for Glycogen storage disease, type II. Last evaluated: 2017-05-10. Review status: criteria provided, single submitter. Criteria: ICSL Variant Classification Criteria 09 May 2019. Collection method: clinical testing. Allele origin: germline. Not counted in ClinVar's aggregate classification.
Comment: The GAA c.1933G>A (p.Asp645Asn) variant has been reported in six studies and is found in a total of seven patients with infantile-onset Pompe disease (also known as glycogen storage disease, type II). The p.Asp645Asn variant was present in five patients in a compound heterozygous state and two patients in a homozygous state (Huie et al. 1998; Kroos et al. 2004; McCready et al. 2007; Pittis et al. 2008; Del Rizzo et al. 2010; Tan et al. 2015). In addition, two unaffected parents carried the variant in a heterozygous state (Kroos et al. 2004; Tan et al. 2015). Control data are unavailable for the p.Asp645Asn variant, which is reported at a frequency of 0.00023 in the African population of the Exome Sequencing Project, but this is based on one allele in a region of low sequence coverage. In vitro expression of the p.Asp645Asn variant in both SV40 immortalized fibroblasts (TR4912) and COS cells yielded low enzyme activity (Huie et al. 1998; Kroos et al. 2004). Based on the collective evidence, the p.Asp645Asn variant is classified as pathogenic for glycogen storage disease, type II. This variant was observed by ICSL as part of a predisposition screen in an ostensibly healthy population.

GeneDx
Classification: Pathogenic. Last evaluated: 2017-03-07. Review status: criteria provided, single submitter. Criteria: GeneDx Variant Classification (06012015). Collection method: clinical testing. Allele origin: germline. Affected: yes. Not counted in ClinVar's aggregate classification.
Comment: The D645N pathogenic variant in the GAA gene has been previously reported, in both the compound heterozygous and homozygous state, in patients with infantile GSDII (Huie et al., 1998; Del Rizzo et al., 2010). Functional studies demonstrate D645N results in significantly reduced GAA enzyme activity compared to wild type controls (Huie et al., 1998). The D645N variant is not observed at a significant frequency in large population cohorts (Lek et al., 2016; 1000 Genomes Consortium et al., 2015; Exome Variant Server). This variant is a semi-conservative amino acid substitution, which may impact secondary protein structure as these residues differ in some properties. This substitution occurs at a position that is conserved across species, and different missense variants at the same position (D645H/Y/E) have been previously reported in association with GSDII (Lin et al., 1995; Gort et al., 2007; Hermans et al., 1993). Additionally, in silico analysis predicts this variant is probably damaging to the protein structure/function.

Counsyl
Classification: Likely pathogenic for Glycogen storage disease, type II. Last evaluated: 2014-03-21. Review status: no assertion criteria provided. Collection method: literature only. Allele origin: unknown. Inheritance: Autosomal recessive inheritance. Not counted in ClinVar's aggregate classification.

Literature cited by the submitters: PubMed 29122469 (cited by ClinGen Lysosomal Storage Disorder Variant Curation Expert Panel); PubMed 27927596 (cited by ClinGen Lysosomal Storage Disorder Variant Curation Expert Panel); PubMed 18429042 (cited by 5 submitters); PubMed 26497565 (cited by 3 submitters); PubMed 25139343 (cited by ClinGen Lysosomal Storage Disorder Variant Curation Expert Panel and Broad Center for Mendelian Genomics, Broad Institute of MIT and Harvard); PubMed 30155607 (cited by ClinGen Lysosomal Storage Disorder Variant Curation Expert Panel); PubMed 9535769 (cited by 7 submitters); PubMed 30105547 (cited by ClinGen Lysosomal Storage Disorder Variant Curation Expert Panel); PubMed 19862843 (cited by ClinGen Lysosomal Storage Disorder Variant Curation Expert Panel and Genomenon, Inc); PubMed 23601496 (cited by ClinGen Lysosomal Storage Disorder Variant Curation Expert Panel and Broad Center for Mendelian Genomics, Broad Institute of MIT and Harvard); PubMed 25455803 (cited by ClinGen Lysosomal Storage Disorder Variant Curation Expert Panel); PubMed 17723315 (cited by 6 submitters); PubMed 16860134 (cited by ClinGen Lysosomal Storage Disorder Variant Curation Expert Panel and Broad Center for Mendelian Genomics, Broad Institute of MIT and Harvard); PubMed 15145338 (cited by 5 submitters); PubMed 38248631 (cited by Genomenon, Inc); PubMed 38162137 (cited by Genomenon, Inc); PubMed 38043017 (cited by Genomenon, Inc); PubMed 36310651 (cited by Genomenon, Inc); PubMed 36105079 (cited by Genomenon, Inc and Natera, Inc.); PubMed 32902111 (cited by Genomenon, Inc); PubMed 31899940 (cited by Genomenon, Inc); PubMed 28648663 (cited by Genomenon, Inc); PubMed 36246652 (cited by Genomenon, Inc); PubMed 20830524 (cited by 4 submitters); PubMed 23787031 (cited by Labcorp Genetics (formerly Invitae), Labcorp); PubMed 10338092 (cited by Broad Center for Mendelian Genomics, Broad Institute of MIT and Harvard); PubMed 22538254 (cited by Women's Health and Genetics/Laboratory Corporation of America, LabCorp); PubMed 25687635 (cited by Illumina Laboratory Services, Illumina).